The following is an entry in ClinVar:

ClinVar aggregate classification (germline): Uncertain significance (1 of 4 stars; one submission).

Submission:

GeneDx
Classification: Uncertain significance. Last evaluated: 2025-05-27. Review status: criteria provided, single submitter. Criteria: GeneDx Variant Classification Process June 2021. Collection method: clinical testing. Allele origin: germline. Affected: yes.
Comment: Not observed at significant frequency in large population cohorts (gnomAD); In silico analysis suggests that this missense variant does not alter protein structure/function; Has not been previously published as pathogenic or benign to our knowledge

NM_001256007.3(PNPLA8):c.1363G>C (p.Val455Leu)

Gene: PNPLA8 (patatin like domain 8, phospholipase A2; minus strand). Cytogenetic location: 7q31.1.
Variant type: single nucleotide variant.
Coding change: c.1363G>C on transcript NM_001256007.3 (MANE Select); coding-DNA position 1363, G replaced by C.
Protein change: p.Val455Leu; replaces valine 455 with leucine.
Molecular consequence: missense variant.
Genome position (GRCh38, 1-based): chr7:108,497,573, C>G on the plus strand (G>C on the coding strand, the complement: PNPLA8 is on the minus strand). VCF-style: chr7-108497573-C-G. GRCh37 (hg19) VCF-style: chr7-108138017-C-G.
Other names: c.1363G>C, p.Val455Leu (NM_015723.5, NM_001256008.3, NM_001256009.3); c.1063G>C, p.Val355Leu (NM_001256010.3, NM_001256011.3); short protein forms V355L, V455L.
Identifiers: ClinVar variation 4532671 (VCV004532671.1).